The following is an entry in ClinVar:

NM_001854.4(COL11A1):c.1701G>T (p.Gln567His)

Gene: COL11A1 (collagen type XI alpha 1 chain; minus strand). Cytogenetic location: 1p21.1.
Variant type: single nucleotide variant.
Coding change: c.1701G>T on transcript NM_001854.4 (MANE Select); coding-DNA position 1701, G replaced by T.
Protein change: p.Gln567His; replaces glutamine 567 with histidine.
Molecular consequence: missense variant. On other transcripts: non-coding transcript variant (1).
Genome position (GRCh38, 1-based): chr1:103,006,298, C>A on the plus strand (G>T on the coding strand, the complement: COL11A1 is on the minus strand). VCF-style: chr1-103006298-C-A. GRCh37 (hg19) VCF-style: chr1-103471854-C-A.
Other names: c.1353G>T, p.Gln451His (NM_001168249.1, NM_080630.4); c.1584G>T, p.Gln528His (NM_001190709.2); c.1737G>T, p.Gln579His (NM_080629.3); short protein forms Q451H, Q579H, Q567H, Q528H.
Identifiers: ClinVar variation 2781371 (VCV002781371.3), dbSNP rs2525409108, ClinGen allele CA341175145.

ClinVar aggregate classification (germline): Uncertain significance (1 of 4 stars; one submission).

gnomAD v4.1: 4 of 1,609,658 alleles (0.00025%); highest among the groups gnomAD compares: South Asian, 0.0011%; no homozygotes.

Submission:

Labcorp Genetics (formerly Invitae), Labcorp
Classification: Uncertain significance. Last evaluated: 2023-01-05. Review status: criteria provided, single submitter. Criteria: Invitae Variant Classification Sherloc (09022015). Collection method: clinical testing. Allele origin: germline.
Comment: This variant is not present in population databases (gnomAD no frequency). This variant has not been reported in the literature in individuals affected with COL11A1-related conditions. Advanced modeling of protein sequence and biophysical properties (such as structural, functional, and spatial information, amino acid conservation, physicochemical variation, residue mobility, and thermodynamic stability) performed at Invitae indicates that this missense variant is not expected to disrupt COL11A1 protein function. This sequence change replaces glutamine, which is neutral and polar, with histidine, which is basic and polar, at codon 567 of the COL11A1 protein (p.Gln567His). In summary, the available evidence is currently insufficient to determine the role of this variant in disease. Therefore, it has been classified as a Variant of Uncertain Significance.